The following is an entry in ClinVar:

ClinVar aggregate classification (germline): Pathogenic, low penetrance (1 of 4 stars; one submission).

Conditions:
Atypical hemolytic-uremic syndrome. Identifiers: Orphanet 2134, MedGen C2931788, MONDO:0016244.

Submission:

Genomenon, Inc
Classification: Pathogenic, low penetrance for Atypical hemolytic-uremic syndrome. Last evaluated: 2025-09-26. Review status: criteria provided, single submitter. Criteria: Genomenon Sequence Variant Interpretation Standards - Updated. Collection method: curation. Allele origin: germline. Affected: yes.
Comment: DGKE c.1213-2A>G is a canonical splice variant located in the acceptor splice region of intron 8. This variant has been observed in at least one proband affected with atypical hemolytic-uremic syndrome (PMID:26018111). It is absent or not present at a significant frequency in gnomAD. In conclusion, we classify DGKE c.1213-2A>G as a pathogenic, low penetrance variant.

Literature cited by the submitters: PubMed 26018111.

NM_003647.3(DGKE):c.1213-2A>G

Gene: DGKE (diacylglycerol kinase epsilon; plus strand). Cytogenetic location: 17q22.
Variant type: single nucleotide variant.
Coding change: c.1213-2A>G on transcript NM_003647.3 (MANE Select); the canonical splice acceptor site of the intron before coding-DNA position 1213, A replaced by G.
Molecular consequence: splice acceptor variant.
Genome position (GRCh38, 1-based): chr17:56,858,592, A>G. VCF-style: chr17-56858592-A-G. GRCh37 (hg19) VCF-style: chr17-54935953-A-G.
Identifiers: ClinVar variation 4280372 (VCV004280372.1).